The following is an entry in ClinVar:

ClinVar aggregate classification (germline): Uncertain significance (1 of 4 stars; one submission).

Allele frequency attached by ClinVar (database versions not stated): gnomAD exomes below 0.00001.

Submission:

Labcorp Genetics (formerly Invitae), Labcorp
Classification: Uncertain significance. Last evaluated: 2022-09-08. Review status: criteria provided, single submitter. Criteria: Invitae Variant Classification Sherloc (09022015). Collection method: clinical testing. Allele origin: germline.
Comment: In summary, the available evidence is currently insufficient to determine the role of this variant in disease. Therefore, it has been classified as a Variant of Uncertain Significance. Algorithms developed to predict the effect of missense changes on protein structure and function (SIFT, PolyPhen-2, Align-GVGD) all suggest that this variant is likely to be tolerated. This variant has not been reported in the literature in individuals affected with SORL1-related conditions. This variant is present in population databases (no rsID available, gnomAD 0.0009%). This sequence change replaces methionine, which is neutral and non-polar, with isoleucine, which is neutral and non-polar, at codon 1169 of the SORL1 protein (p.Met1169Ile).

NM_003105.6(SORL1):c.3507G>A (p.Met1169Ile)

Gene: SORL1 (sortilin related receptor 1; plus strand). Cytogenetic location: 11q24.1.
Variant type: single nucleotide variant.
Coding change: c.3507G>A on transcript NM_003105.6 (MANE Select); coding-DNA position 3507, G replaced by A.
Protein change: p.Met1169Ile; replaces methionine 1169 with isoleucine.
Molecular consequence: missense variant.
Genome position (GRCh38, 1-based): chr11:121,577,327, G>A. VCF-style: chr11-121577327-G-A. GRCh37 (hg19) VCF-style: chr11-121448036-G-A.
Other names: short protein forms M1169I.
Identifiers: ClinVar variation 2174797 (VCV002174797.4), dbSNP rs1488911480, ClinGen allele CA383024805.